The following is an entry in ClinVar:

NM_032380.5(GFM2):c.263A>T (p.Glu88Val)

Gene: GFM2 (GTP dependent ribosome recycling factor mitochondrial 2; minus strand). Cytogenetic location: 5q13.3.
Variant type: single nucleotide variant.
Coding change: c.263A>T on transcript NM_032380.5 (MANE Select); coding-DNA position 263, A replaced by T.
Protein change: p.Glu88Val; replaces glutamic acid 88 with valine.
Molecular consequence: missense variant. On other transcripts: non-coding transcript variant (1).
Genome position (GRCh38, 1-based): chr5:74,758,890, T>A on the plus strand (A>T on the coding strand, the complement: GFM2 is on the minus strand). VCF-style: chr5-74758890-T-A. GRCh37 (hg19) VCF-style: chr5-74054715-T-A.
Other names: c.359A>T, p.Glu120Val (NM_001281302.2); c.263A>T, p.Glu88Val (NM_170681.3, NM_170691.3); short protein forms E120V, E88V.
Identifiers: ClinVar variation 2857620 (VCV002857620.3), dbSNP rs149216145, ClinGen allele CA360086801.

ClinVar aggregate classification (germline): Uncertain significance (1 of 4 stars; one submission).

Submission:

Labcorp Genetics (formerly Invitae), Labcorp
Classification: Uncertain significance. Last evaluated: 2023-11-27. Review status: criteria provided, single submitter. Criteria: Invitae Variant Classification Sherloc (09022015). Collection method: clinical testing. Allele origin: germline.
Comment: This sequence change replaces glutamic acid, which is acidic and polar, with valine, which is neutral and non-polar, at codon 88 of the GFM2 protein (p.Glu88Val). This variant is not present in population databases (gnomAD no frequency). This variant has not been reported in the literature in individuals affected with GFM2-related conditions. Advanced modeling of protein sequence and biophysical properties (such as structural, functional, and spatial information, amino acid conservation, physicochemical variation, residue mobility, and thermodynamic stability) performed at Invitae indicates that this missense variant is expected to disrupt GFM2 protein function with a positive predictive value of 80%. Algorithms developed to predict the effect of sequence changes on RNA splicing suggest that this variant may disrupt the consensus splice site. In summary, the available evidence is currently insufficient to determine the role of this variant in disease. Therefore, it has been classified as a Variant of Uncertain Significance.